The following is an entry in ClinVar:

NM_002734.5(PRKAR1A):c.502+209C>T

Gene: PRKAR1A (protein kinase cAMP-dependent type I regulatory subunit alpha; plus strand). Cytogenetic location: 17q24.2.
Variant type: single nucleotide variant.
Coding change: c.502+209C>T on transcript NM_002734.5 (MANE Select); 209 bases into the intron after coding-DNA position 502, C replaced by T.
Molecular consequence: intron variant.
Genome position (GRCh38, 1-based): chr17:68,524,286, C>T. VCF-style: chr17-68524286-C-T. GRCh37 (hg19) VCF-style: chr17-66520427-C-T.
Other names: c.502+209C>T (NM_001278433.2, NM_001369389.1, NM_212471.3 and 4 more transcripts).
Identifiers: ClinVar variation 677022 (VCV000677022.1), dbSNP rs2907374, ClinGen allele CA15906213.

ClinVar aggregate classification (germline): Benign (1 of 4 stars; one submission).

Allele frequency attached by ClinVar (database versions not stated): gnomAD 0.73617 and 0.73744; TOPMed 0.74994; 1000 Genomes Project 30x 0.80169; 1000 Genomes Project 0.80451.
gnomAD v4.1: 111,976 of 151,950 alleles (74%); highest among the groups gnomAD compares: East Asian, 90%; 41,961 homozygotes.

Submission:

GeneDx
Classification: Benign. Last evaluated: 2018-06-15. Review status: criteria provided, single submitter. Criteria: GeneDx Variant Classification (06012015). Collection method: clinical testing. Allele origin: germline. Affected: yes.
Comment: This variant is considered likely benign or benign based on one or more of the following criteria: it is a conservative change, it occurs at a poorly conserved position in the protein, it is predicted to be benign by multiple in silico algorithms, and/or has population frequency not consistent with disease.